The following is an entry in ClinVar:

NM_012203.2(GRHPR):c.962C>T (p.Pro321Leu)

Gene: GRHPR (glyoxylate and hydroxypyruvate reductase; plus strand). Cytogenetic location: 9p13.2.
Variant type: single nucleotide variant.
Coding change: c.962C>T on transcript NM_012203.2 (MANE Select); coding-DNA position 962, C replaced by T.
Protein change: p.Pro321Leu; replaces proline 321 with leucine.
Molecular consequence: missense variant.
Genome position (GRCh38, 1-based): chr9:37,436,757, C>T. VCF-style: chr9-37436757-C-T. GRCh37 (hg19) VCF-style: chr9-37436754-C-T.
Other names: p.Pro321Leu; short protein forms P321L.
Identifiers: ClinVar variation 366861 (VCV000366861.22), dbSNP rs142356700, ClinGen allele CA5059349.

ClinVar aggregate classification (germline): Benign/Likely benign. Review status: criteria provided, multiple submitters, no conflicts (2 of 4 stars). 8 submissions from 8 submitters: Benign (3); Likely benign (4). 1 of the submissions does not count toward it. Last evaluated 2026-07-06.

Conditions:
Primary hyperoxaluria, type II (HP2). Also called: Primary hyperoxaluria type 2; D-GLYCERATE DEHYDROGENASE DEFICIENCY; GLYCERIC ACIDURIA; GLYOXYLATE REDUCTASE/HYDROXYPYRUVATE REDUCTASE DEFICIENCY; OXALOSIS II. Identifiers: Orphanet 416, Orphanet 93599, MedGen C0268165, MONDO:0009824, OMIM 260000. Disease mechanism: loss of function.
GRHPR-related disorder. Also called: GRHPR-related condition.
Nephrolithiasis/nephrocalcinosis. Identifiers: MedGen CN580796.

Allele frequency attached by ClinVar (database versions not stated): gnomAD exomes 0.00045 and 0.00124; ExAC 0.00152; gnomAD 0.00442 and 0.00474; ESP Exome Variant Server 0.00484; TOPMed 0.00506; 1000 Genomes Project 30x 0.00531; 1000 Genomes Project 0.00559.
gnomAD v4.1: 1,376 of 1,614,048 alleles (0.085%); highest among the groups gnomAD compares: African/African-American, 1.5%; 8 homozygotes.

Submissions (8):

PreventionGenetics, part of Exact Sciences
Classification: Benign for GRHPR-related condition. Last evaluated: 2026-07-06. Review status: criteria provided, single submitter. Criteria: ACMG Guidelines, 2015. Collection method: clinical testing. Allele origin: germline.
Comment: This variant is classified as benign based on ACMG/AMP sequence variant interpretation guidelines (Richards et al. 2015 PMID: 25741868, with internal and published modifications).

Labcorp Genetics (formerly Invitae), Labcorp
Classification: Benign. Last evaluated: 2026-01-31. Review status: criteria provided, single submitter. Criteria: Invitae Variant Classification Sherloc (09022015). Collection method: clinical testing. Allele origin: germline.

Blueprint Genetics
Classification: Likely benign. Last evaluated: 2024-10-16. Review status: criteria provided, single submitter. Criteria: ACMG Guidelines, 2015. Collection method: clinical testing. Allele origin: germline.

Mayo Clinic Laboratories, Mayo Clinic
Classification: Benign. Last evaluated: 2023-04-04. Review status: criteria provided, single submitter. Criteria: ACMG Guidelines, 2015. Collection method: clinical testing. Allele origin: germline. Observed: 4 variant alleles.
Comment: BS1, BS2

Ambry Genetics
Classification: Likely benign for Nephrolithiasis/nephrocalcinosis. Last evaluated: 2022-10-09. Review status: criteria provided, single submitter. Criteria: Ambry Variant Classification Scheme 2023. Collection method: clinical testing. Allele origin: germline.

Fulgent Genetics
Classification: Likely benign for Primary hyperoxaluria, type II. Last evaluated: 2021-09-29. Review status: criteria provided, single submitter. Criteria: ACMG Guidelines, 2015. Collection method: clinical testing. Allele origin: unknown.

Illumina Laboratory Services, Illumina
Classification: Likely benign for Primary hyperoxaluria, type II. Last evaluated: 2018-01-13. Review status: criteria provided, single submitter. Criteria: ICSL Variant Classification Criteria 13 December 2019. Collection method: clinical testing. Allele origin: germline.
Comment: This variant was observed in the ICSL laboratory as part of a predisposition screen in an ostensibly healthy population. It had not been previously curated by ICSL or reported in the Human Gene Mutation Database (HGMD: prior to June 1st, 2018), and was therefore a candidate for classification through an automated scoring system. Utilizing variant allele frequency, disease prevalence and penetrance estimates, and inheritance mode, an automated score was calculated to assess if this variant is too frequent to cause the disease. Based on the score and internal cut-off values, a variant classified as likely benign is not then subjected to further curation. The score for this variant resulted in a classification of likely benign for this disease.

Natera, Inc.
Classification: Benign for Primary hyperoxaluria type II. Last evaluated: 2019-10-28. Review status: no assertion criteria provided. Collection method: clinical testing. Allele origin: germline. Not counted in ClinVar's aggregate classification.